The following is an entry in ClinVar:

ClinVar aggregate classification (germline): Likely benign (0 of 4 stars; one submission).

Conditions:
MMP21-related disorder. Also called: MMP21-related condition.

Allele frequency attached by ClinVar (database versions not stated): gnomAD 0.00001; ExAC 0.00002; gnomAD exomes 0.00002; TOPMed 0.00004.

Submission:

PreventionGenetics, part of Exact Sciences
Classification: Likely benign for MMP21-related condition. Last evaluated: 2019-08-01. Review status: no assertion criteria provided. Collection method: clinical testing. Allele origin: germline.
Comment: This variant is classified as likely benign based on ACMG/AMP sequence variant interpretation guidelines (Richards et al. 2015 PMID: 25741868, with internal and published modifications).

NM_147191.1(MMP21):c.1035C>T (p.Asn345=)

Gene: MMP21 (matrix metallopeptidase 21; minus strand). Cytogenetic location: 10q26.2.
Variant type: single nucleotide variant.
Coding change: c.1035C>T on transcript NM_147191.1 (MANE Select); coding-DNA position 1035, C replaced by T.
Protein change: p.Asn345=; no amino-acid change (asparagine 345 retained).
Molecular consequence: synonymous variant.
Genome position (GRCh38, 1-based): chr10:125,770,536, G>A on the plus strand (C>T on the coding strand, the complement: MMP21 is on the minus strand). VCF-style: chr10-125770536-G-A. GRCh37 (hg19) VCF-style: chr10-127459105-G-A.
Identifiers: ClinVar variation 3035599 (VCV003035599.2), dbSNP rs775062496, ClinGen allele CA5738017.
Genomic context (GRCh38, chr10:125,770,536, plus strand): 5'-CCAGTACCAGCTGTTACGGAAGAAATATGTGCTAAATCTCACCATCACCTCTCCATATTG[G>A]TTTCTCTCTTTGCGAATCCAGTCAAACGCAGTATCAAATGATCCCTCACAGGAGCCTTAA-3'
Protein context (NP_671724.1, residues 335-355): TAFDWIRKER[Asn345=]QYGEVMVRFS